The following is an entry in ClinVar:

ClinVar aggregate classification (germline): Uncertain significance (1 of 4 stars; one submission).

gnomAD v4.1: 1 of 1,613,882 alleles (0.000062%); highest among the groups gnomAD compares: Non-Finnish European, 0.000085%; no homozygotes.

Submission:

Labcorp Genetics (formerly Invitae), Labcorp
Classification: Uncertain significance. Last evaluated: 2022-07-21. Review status: criteria provided, single submitter. Criteria: Invitae Variant Classification Sherloc (09022015). Collection method: clinical testing. Allele origin: germline.
Comment: In summary, the available evidence is currently insufficient to determine the role of this variant in disease. Therefore, it has been classified as a Variant of Uncertain Significance. Algorithms developed to predict the effect of missense changes on protein structure and function are either unavailable or do not agree on the potential impact of this missense change (SIFT: "Deleterious"; PolyPhen-2: "Probably Damaging"; Align-GVGD: "Class C0"). This variant has not been reported in the literature in individuals affected with ASPM-related conditions. This variant is not present in population databases (gnomAD no frequency). This sequence change replaces aspartic acid, which is acidic and polar, with histidine, which is basic and polar, at codon 1186 of the ASPM protein (p.Asp1186His).

NM_018136.5(ASPM):c.3556G>C (p.Asp1186His)

Gene: ASPM (assembly factor for spindle microtubules; minus strand). Cytogenetic location: 1q31.3.
Variant type: single nucleotide variant.
Coding change: c.3556G>C on transcript NM_018136.5 (MANE Select); coding-DNA position 3556, G replaced by C.
Protein change: p.Asp1186His; replaces aspartic acid 1186 with histidine.
Molecular consequence: missense variant.
Genome position (GRCh38, 1-based): chr1:197,122,430, C>G on the plus strand (G>C on the coding strand, the complement: ASPM is on the minus strand). VCF-style: chr1-197122430-C-G. GRCh37 (hg19) VCF-style: chr1-197091560-C-G.
Other names: c.3556G>C, p.Asp1186His (NM_001206846.2); short protein forms D1186H.
Identifiers: ClinVar variation 1722280 (VCV001722280.5), dbSNP rs780132914, ClinGen allele CA344040179.